The following is an entry in ClinVar:

NM_033380.3(COL4A5):c.439G>C (p.Gly147Arg)

Gene: COL4A5 (collagen type IV alpha 5 chain; plus strand). Cytogenetic location: Xq22.3.
Variant type: single nucleotide variant.
Coding change: c.439G>C on transcript NM_033380.3 (MANE Select); coding-DNA position 439, G replaced by C.
Protein change: p.Gly147Arg; replaces glycine 147 with arginine.
Molecular consequence: missense variant.
Genome position (GRCh38, 1-based): chrX:108,571,811, G>C. VCF-style: chrX-108571811-G-C. GRCh37 (hg19) VCF-style: chrX-107815041-G-C.
Other names: c.439G>C, p.Gly147Arg (NM_000495.5); short protein forms G147R.
Identifiers: ClinVar variation 2572406 (VCV002572406.2), dbSNP rs2066069145, ClinGen allele CA413920320.
Genomic context (GRCh38, chrX:108,571,811, plus strand): 5'-TGTAATTGGCGTGTTTCTCTCTCATACATATAAAATAATCCCTTTTCTTTTTAATAATAG[G>C]GACCCCCTGGGATCCCAGGTATGAAGGTAAGCATCTCATTCTGGGGAACAAATGTTTTGA-3'
Protein context (NP_203699.1, residues 137-157): PGFPGLQGPP[Gly147Arg]PPGIPGMKGE

ClinVar aggregate classification (germline): Pathogenic (1 of 4 stars; one submission).

Conditions:
X-linked Alport syndrome (ATS1). Also called: NEPHROPATHY AND DEAFNESS, X-LINKED; COL4A5-Related Nephropathy. Identifiers: Orphanet 63, Orphanet 88917, MedGen C4746986, MONDO:0010520, OMIM 301050.

Submission:

3billion
Classification: Pathogenic for X-linked Alport syndrome. Last evaluated: 2025-08-21. Review status: criteria provided, single submitter. Criteria: ACMG Guidelines, 2015. Collection method: clinical testing. Allele origin: germline. Affected: yes.
Comment: The variant is not observed in the gnomAD v4.1.0 dataset. Predicted Consequence/Location: The variant is located in a mutational hot spot and/or well-established functional domain in which established pathogenic variants have been reported (PMID: 27627812, 30311386). In silico tool predictions suggest damaging effect of the variant on gene or gene product [REVEL: 0.91 (>=0.6, sensitivity 0.68 and specificity 0.92); 3Cnet: 0.92 (> 0.75, sensitivity 0.96 and precision 0.92)]. The same nucleotide change resulting in the same amino acid change has been previously reported as pathogenic/likely pathogenic with strong evidence (ClinVar ID: VCV002572406 /3billion dataset). A different missense change at the same codon (p.Gly147Glu) has been reported to be associated with COL4A5-related disorder (ClinVar ID: VCV002007884). Therefore, this variant is classified as Pathogenic according to the recommendation of ACMG/AMP guideline.